The following is an entry in ClinVar:

ClinVar aggregate classification (germline): Conflicting classifications of pathogenicity. Review status: criteria provided, conflicting classifications (1 of 4 stars). 2 submissions from 2 submitters: Uncertain significance (1); Benign (1). Last evaluated 2026-08-01.

gnomAD v4.1: 815 of 1,583,844 alleles (0.051%); highest among the groups gnomAD compares: African/African-American, 0.66%; 6 homozygotes.

Submissions (2):

CeGaT Center for Human Genetics Tuebingen
Classification: Benign. Last evaluated: 2026-08-01. Review status: criteria provided, single submitter. Criteria: CeGaT Center For Human Genetics Tuebingen Variant Classification Criteria Version 2. Collection method: clinical testing. Allele origin: germline. Affected: yes. Observed: 1 variant allele.
Comment: MUC5B: BP4, BS1, BS2

Ambry Genetics
Classification: Uncertain significance. Last evaluated: 2025-08-10. Review status: criteria provided, single submitter. Criteria: Ambry Variant Classification Scheme 2023. Collection method: clinical testing. Allele origin: germline.

NM_002458.3(MUC5B):c.8302C>T (p.Arg2768Cys)

Genes: MUC5B (mucin 5B, oligomeric mucus/gel-forming; plus strand), MUC5B-AS1 (MUC5B antisense RNA 1; minus strand). Cytogenetic location: 11p15.5.
Variant type: single nucleotide variant.
Coding change: c.8302C>T on transcript NM_002458.3 (MANE Select); coding-DNA position 8302, C replaced by T.
Protein change: p.Arg2768Cys; replaces arginine 2768 with cysteine.
Molecular consequence: missense variant.
Genome position (GRCh38, 1-based): chr11:1,245,182, C>T. VCF-style: chr11-1245182-C-T. GRCh37 (hg19) VCF-style: chr11-1266412-C-T.
Other names: short protein forms R2768C.
Identifiers: ClinVar variation 4112505 (VCV004112505.2).